The following is an entry in ClinVar:

NM_001378974.1(FBXW11):c.1289T>G (p.Leu430Arg)

Gene: FBXW11 (F-box and WD repeat domain containing 11; minus strand). Cytogenetic location: 5q35.1.
Variant type: single nucleotide variant.
Coding change: c.1289T>G on transcript NM_001378974.1 (MANE Select); coding-DNA position 1289, T replaced by G.
Protein change: p.Leu430Arg; replaces leucine 430 with arginine.
Molecular consequence: missense variant.
Genome position (GRCh38, 1-based): chr5:171,872,923, A>C on the plus strand (T>G on the coding strand, the complement: FBXW11 is on the minus strand). VCF-style: chr5-171872923-A-C. GRCh37 (hg19) VCF-style: chr5-171299927-A-C.
Other names: c.1220T>G, p.Leu407Arg (NM_001378975.1); c.1193T>G, p.Leu398Arg (NM_001378976.1); c.1130T>G, p.Leu377Arg (NM_001378977.1, NM_001378978.1, NM_001378979.1); c.1124T>G, p.Leu375Arg (NM_001378980.1, NM_033645.3); c.1226T>G, p.Leu409Arg (NM_012300.3); c.1187T>G, p.Leu396Arg (NM_033644.3); short protein forms L375R, L377R, L396R, L398R, L407R, L409R, L430R.
Identifiers: ClinVar variation 3369248 (VCV003369248.1).

ClinVar aggregate classification (germline): Uncertain significance (1 of 4 stars; one submission).

Submission:

GeneDx
Classification: Uncertain significance. Last evaluated: 2024-02-13. Review status: criteria provided, single submitter. Criteria: GeneDx Variant Classification Process June 2021. Collection method: clinical testing. Allele origin: germline. Affected: yes.
Comment: Not observed at significant frequency in large population cohorts (gnomAD); In silico analysis supports that this missense variant has a deleterious effect on protein structure/function; Has not been previously published as pathogenic or benign to our knowledge